The following is an entry in ClinVar:

ClinVar aggregate classification (germline): Uncertain significance (1 of 4 stars; one submission).

Conditions:
Inborn genetic diseases. Identifiers: MedGen C0950123, MeSH D030342.

Submission:

Ambry Genetics
Classification: Uncertain significance for Inborn genetic diseases. Last evaluated: 2023-03-03. Review status: criteria provided, single submitter. Criteria: Ambry Variant Classification Scheme 2023. Collection method: clinical testing. Allele origin: germline.
Comment: The p.R224G variant (also known as c.670C>G), located in coding exon 6 of the BUB1B gene, results from a C to G substitution at nucleotide position 670. The arginine at codon 224 is replaced by glycine, an amino acid with dissimilar properties. This amino acid position is conserved. In addition, the in silico prediction for this alteration is inconclusive. Since supporting evidence is limited at this time, the clinical significance of this alteration remains unclear.

NM_001211.6(BUB1B):c.670C>G (p.Arg224Gly)

Gene: BUB1B (BUB1 mitotic checkpoint serine/threonine kinase B; plus strand). Cytogenetic location: 15q15.1.
Variant type: single nucleotide variant.
Coding change: c.670C>G on transcript NM_001211.6 (MANE Select); coding-DNA position 670, C replaced by G.
Protein change: p.Arg224Gly; replaces arginine 224 with glycine.
Molecular consequence: missense variant.
Genome position (GRCh38, 1-based): chr15:40,183,802, C>G. VCF-style: chr15-40183802-C-G. GRCh37 (hg19) VCF-style: chr15-40476003-C-G.
Other names: short protein forms R224G.
Identifiers: ClinVar variation 2450844 (VCV002450844.2), dbSNP rs2037325542, ClinGen allele CA391683360.